The following is an entry in ClinVar:

ClinVar aggregate classification (germline): other (0 of 4 stars; one submission).

Conditions:
Familial colorectal cancer. Identifiers: MedGen CN280943, MONDO:0023113. Disease mechanism: loss of function.

Submission:

Systems Biology Platform Zhejiang California International NanoSystems Institute
Classification: other for Familial colorectal cancer. Review status: no assertion criteria provided. Collection method: not provided. Allele origin: unknown.
ClinVar note: Converted during submission from cancer to other.

NM_000038.6(APC):c.834+6131A>T

Gene: APC (APC regulator of WNT signaling pathway; plus strand). Cytogenetic location: 5q22.2.
Variant type: single nucleotide variant.
Coding change: c.834+6131A>T on transcript NM_000038.6 (MANE Select); 6131 bases into the intron after coding-DNA position 834, A replaced by T.
Molecular consequence: intron variant.
Genome position (GRCh38, 1-based): chr5:112,807,514, A>T. VCF-style: chr5-112807514-A-T. GRCh37 (hg19) VCF-style: chr5-112143211-A-T.
Other names: c.834+6131A>T (NM_001354895.2, NM_001127510.3, NM_001354896.2 and 1 more transcripts); c.864+6131A>T (NM_001354897.2, NM_001354902.2); c.780+6131A>T (NM_001127511.3); c.759+6131A>T (NM_001354898.2, NM_001354904.2); c.-201-2612A>T (NM_001354906.2); c.750+6131A>T (NM_001354899.2); c.657+6131A>T (NM_001354900.2, NM_001354901.2, NM_001354905.2).
Identifiers: ClinVar variation 82531 (VCV000082531.2), dbSNP rs75729764, ClinGen allele CA014975.
Genomic context (GRCh38, chr5:112,807,514, plus strand): 5'-TAATAATACTTTGAGATATCTTTTCCTATCTATATGTGGTTTATAGATATGGAAGTTTTT[A>T]ATCCATTTTTCTTTCACTATTTTTTCTTTTTTTCAAGCAACCTAAGCTTTTCTATTTGAA-3'